The following is an entry in ClinVar:

ClinVar aggregate classification (germline): Uncertain significance (1 of 4 stars; one submission).

Conditions:
MYO15A-related disorder. Also called: MYO15A-related condition.

gnomAD v4.1: 9 of 1,530,358 alleles (0.00059%); highest among the groups gnomAD compares: Non-Finnish European, 0.00079%; no homozygotes.

Submission:

PreventionGenetics, part of Exact Sciences
Classification: Uncertain significance for MYO15A-related condition. Last evaluated: 2026-06-05. Review status: criteria provided, single submitter. Criteria: ACMG Guidelines, 2015. Collection method: clinical testing. Allele origin: germline.
Comment: The MYO15A c.2587A>G variant is predicted to result in the amino acid substitution p.Asn863Asp. To our knowledge, this variant has not been reported in the literature or in a large population database (gnomAD), indicating this variant is rare. At this time, the clinical significance of this variant is uncertain due to the absence of conclusive functional and genetic evidence.

NM_016239.4(MYO15A):c.2587A>G (p.Asn863Asp)

Gene: MYO15A (myosin XVA; plus strand). Cytogenetic location: 17p11.2.
Variant type: single nucleotide variant.
Coding change: c.2587A>G on transcript NM_016239.4 (MANE Select); coding-DNA position 2587, A replaced by G.
Protein change: p.Asn863Asp; replaces asparagine 863 with aspartic acid.
Molecular consequence: missense variant.
Genome position (GRCh38, 1-based): chr17:18,121,387, A>G. VCF-style: chr17-18121387-A-G. GRCh37 (hg19) VCF-style: chr17-18024701-A-G.
Other names: short protein forms N863D.
Identifiers: ClinVar variation 4984289 (VCV004984289.1).
Genomic context (GRCh38, chr17:18,121,387, plus strand): 5'-TCACCCAGGCCGCCCTCGCCGCCCCTGGGGCTCTGCCACAGCCCGCGGCGCAGCTCCCTG[A>G]ATCTGCCCTCGCGCCTCCCGCACACGTGGCGGCGCCTCAGCGAGCCACCCACTCGGGCTG-3'
Protein context (NP_057323.3, residues 853-873): LCHSPRRSSL[Asn863Asp]LPSRLPHTWR